The following is an entry in ClinVar:

NM_001080.3(ALDH5A1):c.32G>A (p.Gly11Glu)

Genes: ALDH5A1 (aldehyde dehydrogenase 5 family member A1; plus strand), GPLD1 (glycosylphosphatidylinositol specific phospholipase D1; minus strand), LOC129995978 (ATAC-STARR-seq lymphoblastoid silent region 16989; plus strand). Cytogenetic location: 6p22.3.
Variant type: single nucleotide variant.
Coding change: c.32G>A on transcript NM_001080.3 (MANE Select); coding-DNA position 32, G replaced by A.
Protein change: p.Gly11Glu; replaces glycine 11 with glutamic acid.
Molecular consequence: missense variant.
Genome position (GRCh38, 1-based): chr6:24,495,028, G>A. VCF-style: chr6-24495028-G-A. GRCh37 (hg19) VCF-style: chr6-24495256-G-A.
Other names: c.32G>A, p.Gly11Glu (NM_001368954.1, NM_170740.1); short protein forms G11E.
Identifiers: ClinVar variation 597221 (VCV000597221.16), dbSNP rs373315916, ClinGen allele CA3656557.

ClinVar aggregate classification (germline): Conflicting classifications of pathogenicity. Review status: criteria provided, conflicting classifications (1 of 4 stars). 5 submissions from 5 submitters: Uncertain significance (4); Likely benign (1). Last evaluated 2025-12-27.

Conditions:
Succinate-semialdehyde dehydrogenase deficiency (SSADHD). Also called: Succinic Semialdehyde Dehydrogenase Deficiency; SSADH DEFICIENCY; 4-HYDROXYBUTYRIC ACIDURIA; GABA METABOLIC DEFECT. Identifiers: Orphanet 22, MedGen C0268631, MONDO:0010083, OMIM 271980.
Inborn genetic diseases. Identifiers: MedGen C0950123, MeSH D030342.

Allele frequency attached by ClinVar (database versions not stated): ExAC 0.00004; gnomAD 0.00007 and 0.00009; TOPMed 0.00008; ESP Exome Variant Server 0.00011.
gnomAD v4.1: 22 of 1,345,668 alleles (0.0016%); highest among the groups gnomAD compares: African/African-American, 0.024%; no homozygotes.

Submissions (5):

Labcorp Genetics (formerly Invitae), Labcorp
Classification: Likely benign for Succinate-semialdehyde dehydrogenase deficiency. Last evaluated: 2025-12-27. Review status: criteria provided, single submitter. Criteria: Invitae Variant Classification Sherloc (09022015). Collection method: clinical testing. Allele origin: germline.

GeneDx
Classification: Uncertain significance. Last evaluated: 2024-10-22. Review status: criteria provided, single submitter. Criteria: GeneDx Variant Classification Process June 2021. Collection method: clinical testing. Allele origin: germline. Affected: yes.
Comment: In silico analysis indicates that this missense variant does not alter protein structure/function; Has not been previously published as pathogenic or benign to our knowledge

Ambry Genetics
Classification: Uncertain significance for Inborn genetic diseases. Last evaluated: 2023-11-22. Review status: criteria provided, single submitter. Criteria: Ambry Variant Classification Scheme 2023. Collection method: clinical testing. Allele origin: germline.

Fulgent Genetics
Classification: Uncertain significance for Succinate-semialdehyde dehydrogenase deficiency. Last evaluated: 2021-07-12. Review status: criteria provided, single submitter. Criteria: ACMG Guidelines, 2015. Collection method: clinical testing. Allele origin: unknown.

Eurofins Ntd Llc (ga)
Classification: Uncertain significance. Last evaluated: 2018-05-30. Review status: criteria provided, single submitter. Criteria: EGL ClinVar v180209 classification definitions. Collection method: clinical testing. Allele origin: germline. Observed: 1 variant allele, 1 heterozygote.